The following is an entry in ClinVar:

ClinVar aggregate classification (germline): Uncertain significance (1 of 4 stars; one submission).

gnomAD v4.1: 1 of 1,613,580 alleles (0.000062%); highest among the groups gnomAD compares: East Asian, 0.0022%; no homozygotes.

Submission:

Labcorp Genetics (formerly Invitae), Labcorp
Classification: Uncertain significance. Last evaluated: 2025-01-23. Review status: criteria provided, single submitter. Criteria: Invitae Variant Classification Sherloc (09022015). Collection method: clinical testing. Allele origin: germline.
Comment: This sequence change replaces serine, which is neutral and polar, with arginine, which is basic and polar, at codon 684 of the GUCY2C protein (p.Ser684Arg). This variant is not present in population databases (gnomAD no frequency). This variant has not been reported in the literature in individuals affected with GUCY2C-related conditions. Invitae Evidence Modeling of protein sequence and biophysical properties (such as structural, functional, and spatial information, amino acid conservation, physicochemical variation, residue mobility, and thermodynamic stability) indicates that this missense variant is not expected to disrupt GUCY2C protein function with a negative predictive value of 80%. Algorithms developed to predict the effect of sequence changes on RNA splicing suggest that this variant may create or strengthen a splice site. In summary, the available evidence is currently insufficient to determine the role of this variant in disease. Therefore, it has been classified as a Variant of Uncertain Significance.

NM_004963.4(GUCY2C):c.2052C>G (p.Ser684Arg)

Gene: GUCY2C (guanylate cyclase 2C; minus strand). Cytogenetic location: 12p12.3.
Variant type: single nucleotide variant.
Coding change: c.2052C>G on transcript NM_004963.4 (MANE Select); coding-DNA position 2052, C replaced by G.
Protein change: p.Ser684Arg; replaces serine 684 with arginine.
Molecular consequence: missense variant.
Genome position (GRCh38, 1-based): chr12:14,641,098, G>C on the plus strand (C>G on the coding strand, the complement: GUCY2C is on the minus strand). VCF-style: chr12-14641098-G-C. GRCh37 (hg19) VCF-style: chr12-14794032-G-C.
Other names: short protein forms S684R.
Identifiers: ClinVar variation 3625629 (VCV003625629.2).